The following is an entry in ClinVar:

ClinVar aggregate classification (germline): Benign. Review status: criteria provided, multiple submitters, no conflicts (2 of 4 stars). 4 submissions from 4 submitters: Benign (2). 2 of the submissions do not count toward it. Last evaluated 2018-07-15.

Allele frequency attached by ClinVar (database versions not stated): ESP Exome Variant Server 0.24229; TOPMed 0.27344; gnomAD 0.28325 and 0.28855; 1000 Genomes Project 30x 0.29528; 1000 Genomes Project 0.30391; gnomAD exomes 0.33243 and 0.34058; ExAC 0.34747.
gnomAD v4.1: 515,562 of 1,539,678 alleles (33%); highest among the groups gnomAD compares: East Asian, 45%; 89,053 homozygotes.

Submissions (4):

GeneDx
Classification: Benign. Last evaluated: 2018-07-15. Review status: criteria provided, single submitter. Criteria: GeneDx Variant Classification Process June 2021. Collection method: clinical testing. Allele origin: germline. Affected: yes.
Comment: This variant is associated with the following publications: (PMID: 18391951)

Breakthrough Genomics
Classification: Benign. Review status: criteria provided, single submitter. Criteria: ACMG Guidelines, 2015. Collection method: not provided. Allele origin: germline. Inheritance: Autosomal recessive inheritance. Affected: yes.

Clinical Genetics, Academic Medical Center
Classification: Benign. Review status: no assertion criteria provided. Collection method: clinical testing. Allele origin: germline. Affected: yes. Study: VKGL Data-share Consensus. Not counted in ClinVar's aggregate classification.

Diagnostic Laboratory, Department of Genetics, University Medical Center Groningen
Classification: Benign. Review status: no assertion criteria provided. Collection method: clinical testing. Allele origin: germline. Affected: yes. Study: VKGL Data-share Consensus. Not counted in ClinVar's aggregate classification.

NM_052965.4(TSEN15):c.56G>A (p.Gly19Asp)

Gene: TSEN15 (tRNA splicing endonuclease subunit 15; plus strand). Cytogenetic location: 1q25.3.
Variant type: single nucleotide variant.
Coding change: c.56G>A on transcript NM_052965.4 (MANE Select); coding-DNA position 56, G replaced by A.
Protein change: p.Gly19Asp; replaces glycine 19 with aspartic acid.
Molecular consequence: missense variant. On other transcripts: non-coding transcript variant (2).
Genome position (GRCh38, 1-based): chr1:184,051,811, G>A. VCF-style: chr1-184051811-G-A. GRCh37 (hg19) VCF-style: chr1-184020945-G-A.
Other names: c.56G>A, p.Gly19Asp (NM_001127394.4, NM_001300764.2, NM_001300766.2 and 1 more transcripts); short protein forms G19D.
Identifiers: ClinVar variation 1249884 (VCV001249884.5), dbSNP rs2274432, ClinGen allele CA1286741.